The following is an entry in ClinVar:

NM_001005361.3(DNM2):c.1241A>G (p.Lys414Arg)

Gene: DNM2 (dynamin 2; plus strand). Cytogenetic location: 19p13.2.
Variant type: single nucleotide variant.
Coding change: c.1241A>G on transcript NM_001005361.3 (MANE Select); coding-DNA position 1241, A replaced by G.
Protein change: p.Lys414Arg; replaces lysine 414 with arginine.
Molecular consequence: missense variant. On other transcripts: intron variant (3).
Genome position (GRCh38, 1-based): chr19:10,797,424, A>G. VCF-style: chr19-10797424-A-G. GRCh37 (hg19) VCF-style: chr19-10908100-A-G.
Other names: c.1241A>G, p.Lys414Arg (NM_001005362.3); c.1336-1062A>G (NM_001005360.3, NM_001190716.2, NM_004945.4); short protein forms K414R.
Identifiers: ClinVar variation 157522 (VCV000157522.2), dbSNP rs199927590, ClinGen allele CA270924.

ClinVar aggregate classification (germline): Likely pathogenic (0 of 4 stars; one submission).

Conditions:
Charcot-Marie-Tooth disease. Also called: Charcot-Marie-Tooth Hereditary Neuropathy; Charcot-Marie-Tooth Neuropathy. Identifiers: Orphanet 166, MedGen C0007959, MONDO:0015626.

Allele frequency attached by ClinVar (database versions not stated): TOPMed 0.00002; gnomAD exomes 0.00005 and 0.00011; ESP Exome Variant Server 0.00008; gnomAD 0.00010 and 0.00011; ExAC 0.00021.

Submission:

Dept. of Medical Genetics, Telemark Hospital Trust, Telemark Hospital Trust
Classification: Likely pathogenic for Charcot-Marie-Tooth disease. Last evaluated: 2013-11-01. Review status: no assertion criteria provided. Collection method: research. Allele origin: unknown. Affected: yes. Study: Charcot-Marie-Tooth disease study.
Comment: Populational based study of Charcot-Marie-Tooth disease in Norway

Literature cited by the submitters: PubMed 25025039; PMC 4306395.